The following is an entry in ClinVar:

ClinVar aggregate classification (germline): Uncertain significance (1 of 4 stars; one submission).

Conditions:
Inborn genetic diseases. Identifiers: MedGen C0950123, MeSH D030342.

Allele frequency attached by ClinVar (database versions not stated): gnomAD exomes below 0.00001.
gnomAD v4.1: 3 of 1,613,960 alleles (0.00019%); highest among the groups gnomAD compares: South Asian, 0.0022%; no homozygotes.

Submission:

Ambry Genetics
Classification: Uncertain significance for Inborn genetic diseases. Last evaluated: 2017-06-15. Review status: criteria provided, single submitter. Criteria: Ambry Variant Classification Scheme 2023. Collection method: clinical testing. Allele origin: germline.
Comment: The c.5304-5C>T intronic variant results from a C to T substitution 5 nucleotides upstream from coding exon 15 in the NSD1 gene. This nucleotide position is not well conserved in available vertebrate species. Using the BDGP and ESEfinder splice site prediction tools, this alteration is not predicted to have any significant effect on this splice acceptor site; however, direct evidence is unavailable. Since supporting evidence is limited at this time, the clinical significance of this alteration remains unclear.

NM_022455.5(NSD1):c.5304-5C>T

Genes: NSD1 (nuclear receptor binding SET domain protein 1; plus strand), LOC126807619 (MED14-independent group 3 enhancer GRCh37_chr5:176696443-176697642; plus strand). Cytogenetic location: 5q35.3.
Variant type: single nucleotide variant.
Coding change: c.5304-5C>T on transcript NM_022455.5 (MANE Select); 5 bases into the intron before coding-DNA position 5304, C replaced by T.
Molecular consequence: intron variant.
Genome position (GRCh38, 1-based): chr5:177,269,597, C>T. VCF-style: chr5-177269597-C-T. GRCh37 (hg19) VCF-style: chr5-176696598-C-T.
Other names: c.5304-5C>T (NM_001409301.1, NM_001409302.1, NM_001409303.1); c.4884-5C>T (NM_001409304.1); c.4551-5C>T (NM_001409305.1); c.4542-5C>T (NM_001409306.1, NM_001409307.1); c.4431-5C>T (NM_001409308.1, NM_172349.5, NM_001409309.1 and 1 more transcripts).
Identifiers: ClinVar variation 1746717 (VCV001746717.2), dbSNP rs2480729641, ClinGen allele CA2580074054.